The following is an entry in ClinVar:

ClinVar aggregate classification (germline): Uncertain significance (1 of 4 stars; one submission).

Allele frequency attached by ClinVar (database versions not stated): gnomAD exomes below 0.00001.
gnomAD v4.1: 4 of 1,611,286 alleles (0.00025%); highest among the groups gnomAD compares: Non-Finnish European, 0.00034%; no homozygotes.

Submission:

GeneDx
Classification: Uncertain significance. Last evaluated: 2022-11-23. Review status: criteria provided, single submitter. Criteria: GeneDx Variant Classification Process June 2021. Collection method: clinical testing. Allele origin: germline. Affected: yes.
Comment: Not observed at significant frequency in large population cohorts (gnomAD); In silico analysis supports that this missense variant has a deleterious effect on protein structure/function; Has not been previously published as pathogenic or benign to our knowledge; This variant is associated with the following publications: (PMID: 11114740, 10835628)

NM_182925.5(FLT4):c.2684C>T (p.Ser895Leu)

Gene: FLT4 (fms related receptor tyrosine kinase 4; minus strand). Cytogenetic location: 5q35.3.
Variant type: single nucleotide variant.
Coding change: c.2684C>T on transcript NM_182925.5 (MANE Select); coding-DNA position 2684, C replaced by T.
Protein change: p.Ser895Leu; replaces serine 895 with leucine.
Molecular consequence: missense variant.
Genome position (GRCh38, 1-based): chr5:180,619,330, G>A on the plus strand (C>T on the coding strand, the complement: FLT4 is on the minus strand). VCF-style: chr5-180619330-G-A. GRCh37 (hg19) VCF-style: chr5-180046330-G-A.
Other names: c.2684C>T, p.Ser895Leu (NM_001354989.2, NM_002020.5); short protein forms S895L.
Identifiers: ClinVar variation 2503331 (VCV002503331.1), dbSNP rs2480887462, ClinGen allele CA362501576.
Genomic context (GRCh38, chr5:180,619,330, plus strand): 5'-GCCCCGAGGAGGTTGACCACGTTGAGGTGGTTGCCGATGTGAATGAGGATCTTGAGCTCC[G>A]ACATCAGCGCGCGGTGCTCGCTGGCCGTGGCGCCCTCTGGAGGGGACACGGGCCTCACAC-3'
Protein context (NP_891555.2, residues 885-905): ATASEHRALM[Ser895Leu]ELKILIHIGN